The following is an entry in ClinVar:

NM_024753.5(TTC21B):c.3545G>A (p.Arg1182His)

Gene: TTC21B (tetratricopeptide repeat domain 21B; minus strand). Cytogenetic location: 2q24.3.
Variant type: single nucleotide variant.
Coding change: c.3545G>A on transcript NM_024753.5 (MANE Select); coding-DNA position 3545, G replaced by A.
Protein change: p.Arg1182His; replaces arginine 1182 with histidine.
Molecular consequence: missense variant.
Genome position (GRCh38, 1-based): chr2:165,883,933, C>T on the plus strand (G>A on the coding strand, the complement: TTC21B is on the minus strand). VCF-style: chr2-165883933-C-T. GRCh37 (hg19) VCF-style: chr2-166740443-C-T.
Other names: c.3545G>A (NM_024753.4, NM_024753.3); short protein forms R1182H.
Identifiers: ClinVar variation 1482771 (VCV001482771.11), dbSNP rs199658616, ClinGen allele CA1941476.

ClinVar aggregate classification (germline): Uncertain significance. Review status: criteria provided, multiple submitters, no conflicts (2 of 4 stars). 5 submissions from 5 submitters: Uncertain significance (5). Last evaluated 2025-05-07.

Conditions:
Nephronophthisis. Also called: Juvenile Nephronophthisis. Identifiers: Orphanet 655, MedGen C0687120, MONDO:0019005, HP:0000090.
Jeune thoracic dystrophy. Also called: Short-rib thoracic dysplasia; Jeune syndrome; Infantile thoracic dystrophy; Thoracic pelvic phalangeal dystrophy; Jeune's syndrome; Chondroectodermal dysplasia-like syndrome. Identifiers: Orphanet 474, MedGen C0265275, MONDO:0018770.
Inborn genetic diseases. Identifiers: MedGen C0950123, MeSH D030342.
TTC21B-related disorder. Also called: TTC21B-related condition; TTC21B-related disorders.
Nephronophthisis 12 (NPHP12). Identifiers: Orphanet 655, MedGen C3151186, MONDO:0013442, OMIM 613820.
Asphyxiating thoracic dystrophy 4 (SRTD4). Also called: SHORT-RIB THORACIC DYSPLASIA 4 WITH OR WITHOUT POLYDACTYLY; SHORT-RIB THORACIC DYSPLASIA 4. Identifiers: Orphanet 474, MedGen C3151185, MONDO:0013441, OMIM 613819.

Allele frequency attached by ClinVar (database versions not stated): gnomAD 0.00001 and 0.00003; 1000 Genomes Project 0.00040; 1000 Genomes Project 30x 0.00047; gnomAD exomes 0.00001; TOPMed 0.00001; ExAC 0.00003.
gnomAD v4.1: 30 of 1,614,080 alleles (0.0019%); highest among the groups gnomAD compares: South Asian, 0.0044%; no homozygotes.

Submissions (5):

PreventionGenetics, part of Exact Sciences
Classification: Uncertain significance for TTC21B-related condition. Last evaluated: 2025-05-07. Review status: criteria provided, single submitter. Criteria: ACMG Guidelines, 2015. Collection method: clinical testing. Allele origin: germline.
Comment: The TTC21B c.3545G>A variant is predicted to result in the amino acid substitution p.Arg1182His. To our knowledge, this variant has not been reported in the literature. This variant is reported in 0.0040% of alleles in individuals of European (Finnish) descent in gnomAD. At this time, the clinical significance of this variant is uncertain due to the absence of conclusive functional and genetic evidence.

Labcorp Genetics (formerly Invitae), Labcorp
Classification: Uncertain significance for Jeune thoracic dystrophy; Nephronophthisis. Last evaluated: 2024-10-29. Review status: criteria provided, single submitter. Criteria: Invitae Variant Classification Sherloc (09022015). Collection method: clinical testing. Allele origin: germline.
Comment: This sequence change replaces arginine, which is basic and polar, with histidine, which is basic and polar, at codon 1182 of the TTC21B protein (p.Arg1182His). This variant is present in population databases (rs199658616, gnomAD 0.003%). This variant has not been reported in the literature in individuals affected with TTC21B-related conditions. ClinVar contains an entry for this variant (Variation ID: 1482771). Invitae Evidence Modeling of protein sequence and biophysical properties (such as structural, functional, and spatial information, amino acid conservation, physicochemical variation, residue mobility, and thermodynamic stability) indicates that this missense variant is not expected to disrupt TTC21B protein function with a negative predictive value of 95%. In summary, the available evidence is currently insufficient to determine the role of this variant in disease. Therefore, it has been classified as a Variant of Uncertain Significance.

Blueprint Genetics
Classification: Uncertain significance. Last evaluated: 2024-06-24. Review status: criteria provided, single submitter. Criteria: ACMG Guidelines, 2015. Collection method: clinical testing. Allele origin: germline.

Ambry Genetics
Classification: Uncertain significance for Inborn genetic diseases. Last evaluated: 2024-05-13. Review status: criteria provided, single submitter. Criteria: Ambry Variant Classification Scheme 2023. Collection method: clinical testing. Allele origin: germline.

Fulgent Genetics
Classification: Uncertain significance for Asphyxiating thoracic dystrophy 4; Nephronophthisis 12. Last evaluated: 2022-01-05. Review status: criteria provided, single submitter. Criteria: ACMG Guidelines, 2015. Collection method: clinical testing. Allele origin: unknown.